The following is an entry in ClinVar:

NM_032737.4(LMNB2):c.691C>T (p.Arg231Trp)

Gene: LMNB2 (lamin B2; minus strand). Cytogenetic location: 19p13.3.
Variant type: single nucleotide variant.
Coding change: c.691C>T on transcript NM_032737.4 (MANE Select); coding-DNA position 691, C replaced by T.
Protein change: p.Arg231Trp; replaces arginine 231 with tryptophan.
Molecular consequence: missense variant.
Genome position (GRCh38, 1-based): chr19:2,435,165, G>A on the plus strand (C>T on the coding strand, the complement: LMNB2 is on the minus strand). VCF-style: chr19-2435165-G-A. GRCh37 (hg19) VCF-style: chr19-2435163-G-A.
Other names: c.631C>T (NM_032737.2); short protein forms R231W.
Identifiers: ClinVar variation 542432 (VCV000542432.9), dbSNP rs760267703, ClinGen allele CA9067797.

ClinVar aggregate classification (germline): Uncertain significance. Review status: criteria provided, multiple submitters, no conflicts (2 of 4 stars). 2 submissions from 2 submitters: Uncertain significance (2). Last evaluated 2025-10-26.

Conditions:
Lipodystrophy, partial, acquired, susceptibility to (APLD). Also called: APLD, SUSCEPTIBILITY TO. Identifiers: MedGen C3887501, MONDO:0100476, OMIM 608709.
Progressive myoclonic epilepsy type 9. Identifiers: Orphanet 457265, MedGen C4225289, MONDO:0014685, OMIM 616540.

Allele frequency attached by ClinVar (database versions not stated): gnomAD exomes 0.00001 and 0.00003; TOPMed 0.00001; gnomAD 0.00001; ExAC 0.00002.

Submissions (2):

Labcorp Genetics (formerly Invitae), Labcorp
Classification: Uncertain significance for Progressive myoclonic epilepsy type 9; Lipodystrophy, partial, acquired, susceptibility to. Last evaluated: 2025-10-26. Review status: criteria provided, single submitter. Criteria: Invitae Variant Classification Sherloc (09022015). Collection method: clinical testing. Allele origin: germline.
Comment: This sequence change replaces arginine, which is basic and polar, with tryptophan, which is neutral and slightly polar, at codon 231 of the LMNB2 protein (p.Arg231Trp). The frequency data for this variant in the population databases is considered unreliable, as metrics indicate poor data quality at this position in the gnomAD database. This variant has not been reported in the literature in individuals affected with LMNB2-related conditions. ClinVar contains an entry for this variant (Variation ID: 542432). Invitae Evidence Modeling of protein sequence and biophysical properties (such as structural, functional, and spatial information, amino acid conservation, physicochemical variation, residue mobility, and thermodynamic stability) indicates that this missense variant is expected to disrupt LMNB2 protein function with a positive predictive value of 80%. In summary, the available evidence is currently insufficient to determine the role of this variant in disease. Therefore, it has been classified as a Variant of Uncertain Significance.

Ambry Genetics
Classification: Uncertain significance. Last evaluated: 2025-04-25. Review status: criteria provided, single submitter. Criteria: Ambry Variant Classification Scheme 2023. Collection method: clinical testing. Allele origin: germline.